The following is an entry in ClinVar:

ClinVar aggregate classification (germline): Uncertain significance (1 of 4 stars; one submission).

Submission:

GeneDx
Classification: Uncertain significance. Last evaluated: 2026-02-06. Review status: criteria provided, single submitter. Criteria: GeneDx Variant Classification Process June 2021. Collection method: clinical testing. Allele origin: germline.
Comment: Not observed at significant frequency in large population cohorts (gnomAD); In silico analysis supports that this missense variant has a deleterious effect on protein structure/function; Has not been previously published as pathogenic or benign to our knowledge

NM_001394998.1(TANC2):c.1175A>G (p.Tyr392Cys)

Gene: TANC2 (tetratricopeptide repeat, ankyrin repeat and coiled-coil containing 2; plus strand). Cytogenetic location: 17q23.3.
Variant type: single nucleotide variant.
Coding change: c.1175A>G on transcript NM_001394998.1 (MANE Select); coding-DNA position 1175, A replaced by G.
Protein change: p.Tyr392Cys; replaces tyrosine 392 with cysteine.
Molecular consequence: missense variant.
Genome position (GRCh38, 1-based): chr17:63,314,403, A>G. VCF-style: chr17-63314403-A-G. GRCh37 (hg19) VCF-style: chr17-61391764-A-G.
Other names: c.953A>G, p.Tyr318Cys (NM_001411076.1, NM_025185.4); short protein forms Y318C, Y392C.
Identifiers: ClinVar variation 4976166 (VCV004976166.1).
Genomic context (GRCh38, chr17:63,314,403, plus strand): 5'-TGTTGACAGTTTGACCTAAGTTCTGCATTCTCTTGTTCCTTTCAGTTCGCTTTGCACCTT[A>G]TAGGCCTCCAGATATCTCCTTGAAGCCTCTGCTCTTTGAAGTGCCCAGCATCACTACAGA-3'
Protein context (NP_001381927.1, residues 382-402): QQDLRVRFAP[Tyr392Cys]RPPDISLKPL